The following continues an entry in ClinVar:

NM_006767.4(LZTR1):c.27dup (p.Gln10fs)

ClinVar aggregate classification (germline): Pathogenic. Pathogenic (1). ClinVar aggregate classification (oncogenicity): Likely oncogenic.

Submissions 12 to 13 of 13:

Women's Health and Genetics/Laboratory Corporation of America, LabCorp
Classification: Likely pathogenic for Noonan syndrome 2. Last evaluated: 2022-06-01. Review status: criteria provided, single submitter. Criteria: LabCorp Variant Classification Summary - May 2015. Collection method: clinical testing. Allele origin: germline. Not counted in ClinVar's aggregate classification.
Comment: Variant summary: LZTR1 c.27dupG (p.Gln10AlafsX24) results in a premature termination codon, predicted to cause a truncation of the encoded protein or absence of the protein due to nonsense mediated decay, which are commonly known mechanisms for disease. Truncations downstream of this position have been classified as pathogenic by our laboratory. The variant allele was found at a frequency of 0.0001 in 159396 control chromosomes. This frequency does not allow conclusions about variant significance. c.27dupG has been reported in the literature in individuals affected with autosomal recessive Noonan Syndrome (example, Hanses_2020, Zhou_2021). To our knowledge, no experimental evidence demonstrating an impact on protein function has been reported. Two clinical diagnostic laboratories have submitted clinical-significance assessments for this variant to ClinVar after 2014 without evidence for independent evaluation. All laboratories classified the variant as pathogenic/likely pathogenic. Germline loss of function mutations in LZTR1 have also been reported to predispose to an inherited disorder of multiple schwannomas (Piotrowski_2014). Based on the evidence outlined above, the variant was classified as likely pathogenic for the risk of multiple schwannomas and Autosomal Recessive Noonan syndrome.

Juno Genomics, Hangzhou Juno Genomics, Inc
Classification: Pathogenic for LZTR1-related schwannomatosis. Review status: criteria provided, single submitter. Criteria: ACMG Guidelines, 2015. Collection method: clinical testing. Allele origin: germline. Not counted in ClinVar's aggregate classification.
Comment: Absent from controls (or at extremely low frequency if recessive) in Genome Aggregation Database.;Null variant in a gene where loss of function (LOF) is a known mechanism of disease.;For recessive disorders, detected in trans with a pathogenic variant.;Co-segregation with disease in multiple affected family members.

Literature cited by the submitters: PubMed 32623905 (cited by 5 submitters); PubMed 24362817 (cited by Labcorp Genetics (formerly Invitae), Labcorp); PubMed 25335493 (cited by Labcorp Genetics (formerly Invitae), Labcorp); PubMed 25480913 (cited by Labcorp Genetics (formerly Invitae), Labcorp); PubMed 25795793 (cited by Labcorp Genetics (formerly Invitae), Labcorp); PubMed 29469822 (cited by Labcorp Genetics (formerly Invitae), Labcorp); PubMed 30368668 (cited by Labcorp Genetics (formerly Invitae), Labcorp and Women's Health and Genetics/Laboratory Corporation of America, LabCorp); PubMed 30442762 (cited by Labcorp Genetics (formerly Invitae), Labcorp and Ambry Genetics); PubMed 30442766 (cited by Labcorp Genetics (formerly Invitae), Labcorp); PubMed 30481304 (cited by Labcorp Genetics (formerly Invitae), Labcorp and Ambry Genetics); PubMed 30859559 (cited by Labcorp Genetics (formerly Invitae), Labcorp); PubMed 23917401 (cited by Center for Genomic Medicine, Rigshospitalet, Copenhagen University Hospital); PubMed 26260516 (cited by Ambry Genetics); PubMed 33897756 (cited by Women's Health and Genetics/Laboratory Corporation of America, LabCorp).